The following is an entry in ClinVar:

ClinVar aggregate classification (germline): Benign/Likely benign. Review status: criteria provided, multiple submitters, no conflicts (2 of 4 stars). 2 submissions from 2 submitters: Benign (1); Likely benign (1). Last evaluated 2026-01-05.

Conditions:
SLCO2A1-related disorder. Also called: SLCO2A1-related condition.

Allele frequency attached by ClinVar (database versions not stated): TOPMed 0.00162; 1000 Genomes Project 30x 0.00562; 1000 Genomes Project 0.00619; ESP Exome Variant Server 0.00008; gnomAD 0.00087 and 0.00112.
gnomAD v4.1: 1,516 of 1,606,544 alleles (0.094%); highest among the groups gnomAD compares: East Asian, 2.6%; 18 homozygotes.

Submissions (2):

Labcorp Genetics (formerly Invitae), Labcorp
Classification: Benign. Last evaluated: 2026-01-05. Review status: criteria provided, single submitter. Criteria: Invitae Variant Classification Sherloc (09022015). Collection method: clinical testing. Allele origin: germline.

PreventionGenetics, part of Exact Sciences
Classification: Likely benign for SLCO2A1-related condition. Last evaluated: 2025-07-14. Review status: criteria provided, single submitter. Criteria: ACMG Guidelines, 2015. Collection method: clinical testing. Allele origin: germline.
Comment: This variant is classified as likely benign based on ACMG/AMP sequence variant interpretation guidelines (Richards et al. 2015 PMID: 25741868, with internal and published modifications).

NM_005630.3(SLCO2A1):c.1797C>T (p.Asn599=)

Gene: SLCO2A1 (solute carrier organic anion transporter family member 2A1; minus strand). Cytogenetic location: 3q22.1.
Variant type: single nucleotide variant.
Coding change: c.1797C>T on transcript NM_005630.3 (MANE Select); coding-DNA position 1797, C replaced by T.
Protein change: p.Asn599=; no amino-acid change (asparagine 599 retained).
Molecular consequence: synonymous variant.
Genome position (GRCh38, 1-based): chr3:133,935,791, G>A on the plus strand (C>T on the coding strand, the complement: SLCO2A1 is on the minus strand). VCF-style: chr3-133935791-G-A. GRCh37 (hg19) VCF-style: chr3-133654635-G-A.
Identifiers: ClinVar variation 733412 (VCV000733412.12), dbSNP rs117837593, ClinGen allele CA2626317.
Genomic context (GRCh38, chr3:133,935,791, plus strand): 5'-CCAGGGCCTGGCTCTGGGACACACATACATGATGGGCCCTCACCTGTCTCGGAGAGCATC[G>A]TTGTCATAGTAGGCGCAGGCCCCTCGCCTCCCCAAGCACAGCGAGTTCCACCGGATGCAG-3'
Protein context (NP_005621.2, residues 589-609): GRRGACAYYD[Asn599=]DALRDRYLGL